The following is an entry in ClinVar:

NM_000360.4(TH):c.1255G>A (p.Val419Met)

Gene: TH (tyrosine hydroxylase; minus strand). Cytogenetic location: 11p15.5.
Variant type: single nucleotide variant.
Coding change: c.1255G>A on transcript NM_000360.4 (MANE Select); coding-DNA position 1255, G replaced by A.
Protein change: p.Val419Met; replaces valine 419 with methionine.
Molecular consequence: missense variant.
Genome position (GRCh38, 1-based): chr11:2,165,311, C>T on the plus strand (G>A on the coding strand, the complement: TH is on the minus strand). VCF-style: chr11-2165311-C-T. GRCh37 (hg19) VCF-style: chr11-2186541-C-T.
Other names: c.1348G>A, p.Val450Met (NM_199292.3); c.1336G>A, p.Val446Met (NM_199293.3); short protein forms V450M, V419M, V446M.
Identifiers: ClinVar variation 448683 (VCV000448683.66), dbSNP rs184106392, ClinGen allele CA5818315.

ClinVar aggregate classification (germline): Conflicting classifications of pathogenicity. Review status: criteria provided, conflicting classifications (1 of 4 stars). 9 submissions from 9 submitters: Uncertain significance (4); Likely benign (1). 4 of the submissions do not count toward it. Last evaluated 2026-01-25.

Conditions:
TH-deficient dopa-responsive dystonia. Also called: DYT-TH; Tyrosine Hydroxylase-Deficient Dopa-Responsive Dystonia; Segawa syndrome, autosomal recessive. Identifiers: Orphanet 101150, MedGen C2673535, MONDO:0011551, OMIM 605407.
TH-related disorder. Also called: TH-related condition.

Allele frequency attached by ClinVar (database versions not stated): ESP Exome Variant Server 0.00015; TOPMed 0.00028; ExAC 0.00030; gnomAD 0.00033 and 0.00034; 1000 Genomes Project 0.00040; gnomAD exomes 0.00046; 1000 Genomes Project 30x 0.00047.
gnomAD v4.1: 427 of 1,612,666 alleles (0.026%); highest among the groups gnomAD compares: Middle Eastern, 0.21%; 1 homozygote.

Submissions (9):

Labcorp Genetics (formerly Invitae), Labcorp
Classification: Likely benign for TH-deficient dopa-responsive dystonia. Last evaluated: 2026-01-25. Review status: criteria provided, single submitter. Criteria: Invitae Variant Classification Sherloc (09022015). Collection method: clinical testing. Allele origin: germline.

Blueprint Genetics
Classification: Uncertain significance. Last evaluated: 2024-11-25. Review status: criteria provided, single submitter. Criteria: ACMG Guidelines, 2015. Collection method: clinical testing. Allele origin: germline.

CeGaT Center for Human Genetics Tuebingen
Classification: Uncertain significance. Last evaluated: 2019-10-01. Review status: criteria provided, single submitter. Criteria: CeGaT Center For Human Genetics Tuebingen Variant Classification Criteria Version 2. Collection method: clinical testing. Allele origin: germline. Affected: yes. Observed: 2 variant alleles.

Illumina Laboratory Services, Illumina
Classification: Uncertain significance for TH-deficient dopa-responsive dystonia. Last evaluated: 2018-01-13. Review status: criteria provided, single submitter. Criteria: ICSL Variant Classification Criteria 13 December 2019. Collection method: clinical testing. Allele origin: germline.

Athena Diagnostics
Classification: Uncertain significance. Last evaluated: 2017-11-24. Review status: criteria provided, single submitter. Criteria: Athena Diagnostics Criteria. Collection method: clinical testing. Allele origin: germline.

PreventionGenetics, part of Exact Sciences
Classification: Likely benign for TH-related condition. Last evaluated: 2023-12-23. Review status: no assertion criteria provided. Collection method: clinical testing. Allele origin: germline. Not counted in ClinVar's aggregate classification.
Comment: This variant is classified as likely benign based on ACMG/AMP sequence variant interpretation guidelines (Richards et al. 2015 PMID: 25741868, with internal and published modifications).

Natera, Inc.
Classification: Likely benign for Autosomal recessive Segawa syndrome. Last evaluated: 2020-04-11. Review status: no assertion criteria provided. Collection method: clinical testing. Allele origin: germline. Not counted in ClinVar's aggregate classification.

Diagnostic Laboratory, Department of Genetics, University Medical Center Groningen
Classification: Likely benign. Review status: no assertion criteria provided. Collection method: clinical testing. Allele origin: germline. Affected: yes. Study: VKGL Data-share Consensus. Not counted in ClinVar's aggregate classification.

Laboratory of Diagnostic Genome Analysis, Leiden University Medical Center (LUMC)
Classification: Likely benign. Review status: no assertion criteria provided. Collection method: clinical testing. Allele origin: germline. Affected: yes. Study: VKGL Data-share Consensus. Not counted in ClinVar's aggregate classification.